The following is an entry in ClinVar:

ClinVar aggregate classification (germline): Pathogenic/Likely pathogenic. Review status: criteria provided, multiple submitters, no conflicts (2 of 4 stars). 3 submissions from 3 submitters: Pathogenic (2); Likely pathogenic (1). Last evaluated 2025-07-06.

Conditions:
Distal myopathy with posterior leg and anterior hand involvement. Also called: WILLIAMS DISTAL MYOPATHY. Identifiers: Orphanet 63273, MedGen C3279722, MONDO:0013550, OMIM 614065.
Hypertrophic cardiomyopathy 26. Also called: Cardiomyopathy, familial hypertrophic, 26. Identifiers: Orphanet 75249, MedGen C4310749, MONDO:0014883, OMIM 617047.
Myofibrillar myopathy 5. Also called: FILAMINOPATHY, AUTOSOMAL DOMINANT; Filaminopathy (type). Identifiers: Orphanet 171445, MedGen C1836050, MONDO:0012289, OMIM 609524.
Cardiovascular phenotype. Identifiers: MedGen CN230736.

Submissions (3):

Labcorp Genetics (formerly Invitae), Labcorp
Classification: Pathogenic for Distal myopathy with posterior leg and anterior hand involvement; Myofibrillar myopathy 5; Hypertrophic cardiomyopathy 26. Last evaluated: 2025-07-06. Review status: criteria provided, single submitter. Criteria: Invitae Variant Classification Sherloc (09022015). Collection method: clinical testing. Allele origin: germline.
Comment: This sequence change creates a premature translational stop signal (p.Gly1232Valfs*37) in the FLNC gene. It is expected to result in an absent or disrupted protein product. Loss-of-function variants in FLNC are known to be pathogenic (PMID: 27908349). This variant is not present in population databases (gnomAD no frequency). This variant has not been reported in the literature in individuals affected with FLNC-related conditions. ClinVar contains an entry for this variant (Variation ID: 1454804). For these reasons, this variant has been classified as Pathogenic.

Mayo Clinic Laboratories, Mayo Clinic
Classification: Likely pathogenic. Last evaluated: 2024-06-06. Review status: criteria provided, single submitter. Criteria: ACMG Guidelines, 2015. Collection method: clinical testing. Allele origin: germline. Observed: 1 variant allele.
Comment: PM2, PVS1

Ambry Genetics
Classification: Pathogenic for Cardiovascular phenotype. Last evaluated: 2023-04-24. Review status: criteria provided, single submitter. Criteria: Ambry Variant Classification Scheme 2023. Collection method: clinical testing. Allele origin: germline.
Comment: The c.3695_3698delGGCA pathogenic mutation, located in coding exon 21 of the FLNC gene, results from a deletion of 4 nucleotides at nucleotide positions 3695 to 3698, causing a translational frameshift with a predicted alternate stop codon (p.G1232Vfs*37). This variant is considered to be rare based on population cohorts in the Genome Aggregation Database (gnomAD). This alteration is expected to result in loss of function by premature protein truncation or nonsense-mediated mRNA decay. Based on the supporting evidence, this variant is expected to be causative of FLNC-related dilated cardiomyopathy; however, its clinical significance for FLNC-related hypertrophy/restrictive cardiomyopathy and/or skeletal myopathy is unclear.

Literature cited by the submitters: PubMed 27908349 (cited by Labcorp Genetics (formerly Invitae), Labcorp and Mayo Clinic Laboratories, Mayo Clinic); PubMed 36129056 (cited by Mayo Clinic Laboratories, Mayo Clinic and Ambry Genetics).

NM_001458.5(FLNC):c.3695_3698del (p.Gly1232fs)

Gene: FLNC (filamin C; plus strand). Cytogenetic location: 7q32.1.
Variant type: Deletion.
Coding change: c.3695_3698del on transcript NM_001458.5 (MANE Select); coding-DNA positions 3695 to 3698, 4 bases deleted (GGCA; older notation c.3695_3698delGGCA).
Protein change: p.Gly1232fs; shifts the reading frame from glycine 1232.
Molecular consequence: frameshift variant.
Genome position (GRCh38, 1-based): chr7:128,845,160-128,845,163, GGCA deleted. VCF-style (leftmost placement, unchanged base first): chr7-128845159-GGGCA-G. GRCh37 (hg19) VCF-style: chr7-128485213-GGGCA-G.
Other names: p.Gly1232Valfs*37; c.3695_3698del (NM_001458.4); c.3695_3698delGGCA (NM_001458.4); c.3695_3698del, p.Gly1232fs (NM_001127487.2); short protein forms G1232fs.
Identifiers: ClinVar variation 1454804 (VCV001454804.9), dbSNP rs2128936511, ClinGen allele CA2573141730.